The following is an entry in ClinVar:

ClinVar aggregate classification (germline): Uncertain significance (1 of 4 stars; one submission).

Conditions:
Cardiovascular phenotype. Identifiers: MedGen CN230736.

Submission:

Ambry Genetics
Classification: Uncertain significance for Cardiovascular phenotype. Last evaluated: 2023-04-05. Review status: criteria provided, single submitter. Criteria: Ambry Variant Classification Scheme 2023. Collection method: clinical testing. Allele origin: germline.
Comment: The p.S834R variant (also known as c.2502C>A), located in coding exon 17 of the TRPM4 gene, results from a C to A substitution at nucleotide position 2502. The serine at codon 834 is replaced by arginine, an amino acid with dissimilar properties. This alteration has been reported in a sudden unexplained death cohort; however, clinical details were limited (Subbotina E et al. Forensic Sci Int, 2018 Dec;293:37-46). This amino acid position is poorly conserved in available vertebrate species. In addition, this alteration is predicted to be tolerated by in silico analysis. Since supporting evidence is limited at this time, the clinical significance of this alteration remains unclear.

Literature cited by the submitters: PubMed 30391667.

NM_017636.4(TRPM4):c.2502C>A (p.Ser834Arg)

Gene: TRPM4 (transient receptor potential cation channel subfamily M member 4; plus strand). Cytogenetic location: 19q13.33.
Variant type: single nucleotide variant.
Coding change: c.2502C>A on transcript NM_017636.4 (MANE Select); coding-DNA position 2502, C replaced by A.
Protein change: p.Ser834Arg; replaces serine 834 with arginine.
Molecular consequence: missense variant. On other transcripts: intron variant (1).
Genome position (GRCh38, 1-based): chr19:49,196,731, C>A. VCF-style: chr19-49196731-C-A. GRCh37 (hg19) VCF-style: chr19-49699988-C-A.
Other names: c.2157C>A, p.Ser719Arg (NM_001321281.2); c.894C>A, p.Ser298Arg (NM_001321282.2); c.1980C>A, p.Ser660Arg (NM_001321283.2); c.1440C>A, p.Ser480Arg (NM_001321285.2); c.2211-3569C>A (NM_001195227.2); short protein forms S298R, S834R, S719R, S480R, S660R.
Identifiers: ClinVar variation 2563498 (VCV002563498.2), dbSNP rs749938388, ClinGen allele CA406809361.